The following is an entry in ClinVar:

NM_138420.4(AHNAK2):c.4530G>A (p.Lys1510=)

Gene: AHNAK2 (AHNAK nucleoprotein 2; minus strand). Cytogenetic location: 14q32.33.
Variant type: single nucleotide variant.
Coding change: c.4530G>A on transcript NM_138420.4 (MANE Select); coding-DNA position 4530, G replaced by A.
Protein change: p.Lys1510=; no amino-acid change (lysine 1510 retained).
Molecular consequence: synonymous variant.
Genome position (GRCh38, 1-based): chr14:104,950,921, C>T on the plus strand (G>A on the coding strand, the complement: AHNAK2 is on the minus strand). VCF-style: chr14-104950921-C-T. GRCh37 (hg19) VCF-style: chr14-105417258-C-T.
Other names: c.4230G>A, p.Lys1410= (NM_001350929.2).
Identifiers: ClinVar variation 3389673 (VCV003389673.14).

ClinVar aggregate classification (germline): Likely benign (1 of 4 stars; one submission).

Submission:

CeGaT Center for Human Genetics Tuebingen
Classification: Likely benign. Last evaluated: 2024-09-01. Review status: criteria provided, single submitter. Criteria: CeGaT Center For Human Genetics Tuebingen Variant Classification Criteria Version 2. Collection method: clinical testing. Allele origin: germline. Affected: yes. Observed: 1 variant allele.
Comment: AHNAK2: PM2:Supporting, BP4, BP7